The following is an entry in ClinVar:

ClinVar aggregate classification (germline): Uncertain significance (1 of 4 stars; one submission).

Conditions:
Werner syndrome (WRN). Identifiers: Orphanet 902, MedGen C0043119, MONDO:0010196, OMIM 277700.

Allele frequency attached by ClinVar (database versions not stated): ExAC 0.00001; TOPMed 0.00001; gnomAD 0.00002.

Submission:

Labcorp Genetics (formerly Invitae), Labcorp
Classification: Uncertain significance for Werner syndrome. Last evaluated: 2025-08-07. Review status: criteria provided, single submitter. Criteria: Invitae Variant Classification Sherloc (09022015). Collection method: clinical testing. Allele origin: germline.
Comment: This sequence change replaces arginine, which is basic and polar, with cysteine, which is neutral and slightly polar, at codon 884 of the WRN protein (p.Arg884Cys). This variant is present in population databases (rs763297475, gnomAD 0.005%). This variant has not been reported in the literature in individuals affected with WRN-related conditions. ClinVar contains an entry for this variant (Variation ID: 581164). An algorithm developed to predict the effect of missense changes on protein structure and function outputs the following: PolyPhen-2: "Benign". The cysteine amino acid residue is found in multiple mammalian species, which suggests that this missense change does not adversely affect protein function. RNA analysis performed to evaluate the impact of this missense change on mRNA splicing indicates it does not significantly alter splicing (internal data). In summary, the available evidence is currently insufficient to determine the role of this variant in disease. Therefore, it has been classified as a Variant of Uncertain Significance.

NM_000553.6(WRN):c.2650C>T (p.Arg884Cys)

Gene: WRN (WRN RecQ like helicase; plus strand). Cytogenetic location: 8p12.
Variant type: single nucleotide variant.
Coding change: c.2650C>T on transcript NM_000553.6 (MANE Select); coding-DNA position 2650, C replaced by T.
Protein change: p.Arg884Cys; replaces arginine 884 with cysteine.
Molecular consequence: missense variant.
Genome position (GRCh38, 1-based): chr8:31,124,541, C>T. VCF-style: chr8-31124541-C-T. GRCh37 (hg19) VCF-style: chr8-30982057-C-T.
Other names: short protein forms R884C.
Identifiers: ClinVar variation 581164 (VCV000581164.7), dbSNP rs763297475, ClinGen allele CA4704810.